The following is an entry in ClinVar:

NM_004360.5(CDH1):c.1712-19T>C

Gene: CDH1 (cadherin 1; plus strand). Cytogenetic location: 16q22.1.
Variant type: single nucleotide variant.
Coding change: c.1712-19T>C on transcript NM_004360.5 (MANE Select); 19 bases into the intron before coding-DNA position 1712, T replaced by C.
Molecular consequence: intron variant.
Genome position (GRCh38, 1-based): chr16:68,821,982, T>C. VCF-style: chr16-68821982-T-C. GRCh37 (hg19) VCF-style: chr16-68855885-T-C.
Other names: c.164-19T>C (NM_001317185.2); c.-254-19T>C (NM_001317186.2); c.1529-19T>C (NM_001317184.2).
Identifiers: ClinVar variation 3379307 (VCV003379307.1).

ClinVar aggregate classification (germline): Likely benign (1 of 4 stars; one submission).

Conditions:
Hereditary diffuse gastric adenocarcinoma (HDGC). Also called: DIFFUSE GASTRIC AND LOBULAR BREAST CANCER SYNDROME. Identifiers: Orphanet 26106, MedGen C1708349, MONDO:0007648, OMIM 137215.

Submission:

Myriad Genetics, Inc.
Classification: Likely benign for Hereditary diffuse gastric adenocarcinoma. Last evaluated: 2024-09-19. Review status: criteria provided, single submitter. Criteria: Myriad Autosomal Dominant, Autosomal Recessive and X-Linked Classification Criteria (2023). Collection method: clinical testing. Allele origin: unknown.
Comment: This variant is considered likely benign. This variant is intronic and is not expected to impact mRNA splicing.